The following is an entry in ClinVar:

NM_001457.4(FLNB):c.5406C>A (p.Tyr1802Ter)

Gene: FLNB (filamin B; plus strand). Cytogenetic location: 3p14.3.
Variant type: single nucleotide variant.
Coding change: c.5406C>A on transcript NM_001457.4 (MANE Select); coding-DNA position 5406, C replaced by A.
Protein change: p.Tyr1802Ter; replaces tyrosine 1802 with a stop codon.
Molecular consequence: nonsense.
Genome position (GRCh38, 1-based): chr3:58,143,594, C>A. VCF-style: chr3-58143594-C-A. GRCh37 (hg19) VCF-style: chr3-58129321-C-A.
Other names: c.5499C>A, p.Tyr1833Ter (NM_001164317.2); c.5373C>A, p.Tyr1791Ter (NM_001164318.2); c.5334C>A, p.Tyr1778Ter (NM_001164319.2); short protein forms Y1833*, Y1778*, Y1802*, Y1791*.
Identifiers: ClinVar variation 4769439 (VCV004769439.1).

ClinVar aggregate classification (germline): Pathogenic (1 of 4 stars; one submission).

gnomAD v4.1: 1 of 1,614,074 alleles (0.000062%); highest among the groups gnomAD compares: Non-Finnish European, 0.000085%; no homozygotes.

Submission:

Labcorp Genetics (formerly Invitae), Labcorp
Classification: Pathogenic. Last evaluated: 2025-07-09. Review status: criteria provided, single submitter. Criteria: Invitae Variant Classification Sherloc (09022015). Collection method: clinical testing. Allele origin: germline.
Comment: This sequence change creates a premature translational stop signal (p.Tyr1802*) in the FLNB gene. It is expected to result in an absent or disrupted protein product. Loss-of-function variants in FLNB are known to be pathogenic (PMID: 14991055). This variant is not present in population databases (gnomAD no frequency). This variant has not been reported in the literature in individuals affected with FLNB-related conditions. Algorithms developed to predict the effect of sequence changes on RNA splicing suggest that this variant may disrupt the consensus splice site. For these reasons, this variant has been classified as Pathogenic.

Literature cited by the submitters: PubMed 14991055.